The following is an entry in ClinVar:

NM_000051.4(ATM):c.6387_6388dup (p.Asn2130fs)

Genes: ATM (ATM serine/threonine kinase; plus strand), C11orf65 (chromosome 11 open reading frame 65; minus strand). Cytogenetic location: 11q22.3.
Variant type: Duplication.
Coding change: c.6387_6388dup on transcript NM_000051.4 (MANE Select); coding-DNA positions 6387 to 6388, 2 bases duplicated (CA; older notation c.6387_6388dupCA).
Protein change: p.Asn2130fs; shifts the reading frame from asparagine 2130.
Molecular consequence: frameshift variant. On other transcripts: intron variant (2).
Genome position (GRCh38, 1-based): chr11:108,319,993-108,319,994, CA duplicated; duplicating any 2 consecutive bases within chr11:108,319,992-108,319,994 gives the same sequence; the c. name uses the placement nearest the transcript's 3' end. VCF-style (leftmost placement, unchanged base first): chr11-108319991-T-TAC. GRCh37 (hg19) VCF-style: chr11-108190718-T-TAC.
Other names: c.6387_6388dupCA (NM_000051.3); c.6387_6388dup, p.Asn2130fs (NM_001351834.2); c.641-10922_641-10921dup (NM_001330368.2); c.*39-10922_*39-10921dup (NM_001351110.2); short protein forms N2130fs.
Identifiers: ClinVar variation 2430812 (VCV002430812.3), dbSNP rs2547145991, ClinGen allele CA2580083425.

ClinVar aggregate classification (germline): Pathogenic/Likely pathogenic. Review status: criteria provided, multiple submitters, no conflicts (2 of 4 stars). 3 submissions from 3 submitters: Pathogenic (2); Likely pathogenic (1). Last evaluated 2025-06-05.

Conditions:
Hereditary cancer-predisposing syndrome. Also called: Tumor predisposition; Hereditary Cancer Syndrome; Hereditary neoplastic syndrome; Neoplastic Syndromes, Hereditary. Identifiers: Orphanet 140162, MedGen C0027672, MeSH D009386, MONDO:0015356.
Familial cancer of breast. Also called: Hereditary breast cancer; BREAST CANCER, FAMILIAL; hereditary breast carcinoma. Identifiers: Orphanet 227535, MedGen C0346153, MONDO:0016419, OMIM 114480. Disease mechanism: loss of function.

Submissions (3):

Ambry Genetics
Classification: Pathogenic for Hereditary cancer-predisposing syndrome. Last evaluated: 2025-06-05. Review status: criteria provided, single submitter. Criteria: Ambry Variant Classification Scheme 2023. Collection method: clinical testing. Allele origin: germline.
Comment: The c.6387_6388dupCA pathogenic mutation, located in coding exon 43 of the ATM gene, results from a duplication of CA at nucleotide position 6387, causing a translational frameshift with a predicted alternate stop codon (p.N2130Tfs*7). This variant is considered to be rare based on population cohorts in the Genome Aggregation Database (gnomAD). This alteration is expected to result in loss of function by premature protein truncation or nonsense-mediated mRNA decay. As such, this alteration is interpreted as a disease-causing mutation.

Myriad Genetics, Inc.
Classification: Pathogenic for Familial cancer of breast. Last evaluated: 2024-01-29. Review status: criteria provided, single submitter. Criteria: Myriad Autosomal Dominant, Autosomal Recessive and X-Linked Classification Criteria (2023). Collection method: clinical testing. Allele origin: unknown.
Comment: This variant is considered pathogenic. This variant creates a frameshift predicted to result in premature protein truncation.

GeneDx
Classification: Likely pathogenic. Last evaluated: 2022-08-19. Review status: criteria provided, single submitter. Criteria: GeneDx Variant Classification Process June 2021. Collection method: clinical testing. Allele origin: germline. Affected: yes.
Comment: Frameshift variant predicted to result in protein truncation or nonsense mediated decay in a gene for which loss of function is a known mechanism of disease; Not observed at significant frequency in large population cohorts (gnomAD); Has not been previously published as pathogenic or benign to our knowledge